The following is an entry in ClinVar:

NM_015937.6(PIGT):c.1061C>T (p.Ala354Val)

Gene: PIGT (phosphatidylinositol glycan anchor biosynthesis class T; plus strand). Cytogenetic location: 20q13.12.
Variant type: single nucleotide variant.
Coding change: c.1061C>T on transcript NM_015937.6 (MANE Select); coding-DNA position 1061, C replaced by T.
Protein change: p.Ala354Val; replaces alanine 354 with valine.
Molecular consequence: missense variant. On other transcripts: non-coding transcript variant (5), intron variant (1).
Genome position (GRCh38, 1-based): chr20:45,421,410, C>T. VCF-style: chr20-45421410-C-T. GRCh37 (hg19) VCF-style: chr20-44050050-C-T.
Other names: p.Ala354Val; c.893C>T, p.Ala298Val (NM_001184728.3); c.755C>T, p.Ala252Val (NM_001184730.3); c.1033+717C>T (NM_001184729.3); short protein forms A252V, A298V, A354V.
Identifiers: ClinVar variation 786683 (VCV000786683.20), dbSNP rs146896700, ClinGen allele CA9878154.

ClinVar aggregate classification (germline): Benign/Likely benign. Review status: criteria provided, multiple submitters, no conflicts (2 of 4 stars). 8 submissions from 8 submitters: Benign (2); Likely benign (4). 2 of the submissions do not count toward it. Last evaluated 2026-03-01.

Conditions:
Multiple congenital anomalies-hypotonia-seizures syndrome 3 (MCAHS3). Also called: GLYCOSYLPHOSPHATIDYLINOSITOL BIOSYNTHESIS DEFECT 7. Identifiers: Orphanet 369837, MedGen C3809356, MONDO:0014165, OMIM 615398.

Allele frequency attached by ClinVar (database versions not stated): gnomAD exomes 0.00082; ExAC 0.00101; gnomAD 0.00285 and 0.00308; ESP Exome Variant Server 0.00315; TOPMed 0.00329; 1000 Genomes Project 0.00419; 1000 Genomes Project 30x 0.00437.
gnomAD v4.1: 938 of 1,614,084 alleles (0.058%); highest among the groups gnomAD compares: African/African-American, 1.1%; 5 homozygotes.

Submissions (8):

CeGaT Center for Human Genetics Tuebingen
Classification: Likely benign. Last evaluated: 2026-03-01. Review status: criteria provided, single submitter. Criteria: CeGaT Center For Human Genetics Tuebingen Variant Classification Criteria Version 2. Collection method: clinical testing. Allele origin: germline. Affected: yes. Observed: 1 variant allele.
Comment: PIGT: BS1

Labcorp Genetics (formerly Invitae), Labcorp
Classification: Benign for Multiple congenital anomalies-hypotonia-seizures syndrome 3. Last evaluated: 2025-12-18. Review status: criteria provided, single submitter. Criteria: Invitae Variant Classification Sherloc (09022015). Collection method: clinical testing. Allele origin: germline.

Mayo Clinic Laboratories, Mayo Clinic
Classification: Benign. Last evaluated: 2024-11-22. Review status: criteria provided, single submitter. Criteria: ACMG Guidelines, 2015. Collection method: clinical testing. Allele origin: germline. Observed: 3 variant alleles.
Comment: BS1, BS2, BP4

Blueprint Genetics
Classification: Likely benign. Last evaluated: 2024-09-18. Review status: criteria provided, single submitter. Criteria: ACMG Guidelines, 2015. Collection method: clinical testing. Allele origin: germline.

ARUP Laboratories, Molecular Genetics and Genomics, ARUP Laboratories
Classification: Likely benign. Last evaluated: 2024-01-17. Review status: criteria provided, single submitter. Criteria: ARUP Molecular Germline Variant Investigation Process 2024. Collection method: clinical testing. Allele origin: germline.

GeneDx
Classification: Likely benign. Last evaluated: 2021-03-26. Review status: criteria provided, single submitter. Criteria: GeneDx Variant Classification Process June 2021. Collection method: clinical testing. Allele origin: germline. Affected: yes.

Clinical Genetics DNA and cytogenetics Diagnostics Lab, Erasmus MC, Erasmus Medical Center
Classification: Likely benign. Review status: no assertion criteria provided. Collection method: clinical testing. Allele origin: germline. Affected: yes. Study: VKGL Data-share Consensus. Not counted in ClinVar's aggregate classification.

Genome Diagnostics Laboratory, University Medical Center Utrecht
Classification: Likely benign. Review status: no assertion criteria provided. Collection method: clinical testing. Allele origin: germline. Affected: yes. Study: VKGL Data-share Consensus. Not counted in ClinVar's aggregate classification.